The following is an entry in ClinVar:

NM_052845.4(MMAB):c.666G>A (p.Thr222=)

Gene: MMAB (metabolism of cobalamin associated B; minus strand). Cytogenetic location: 12q24.11.
Variant type: single nucleotide variant.
Coding change: c.666G>A on transcript NM_052845.4 (MANE Select); coding-DNA position 666, G replaced by A.
Protein change: p.Thr222=; no amino-acid change (threonine 222 retained).
Molecular consequence: synonymous variant. On other transcripts: non-coding transcript variant (1).
Genome position (GRCh38, 1-based): chr12:109,557,115, C>T on the plus strand (G>A on the coding strand, the complement: MMAB is on the minus strand). VCF-style: chr12-109557115-C-T. GRCh37 (hg19) VCF-style: chr12-109994920-C-T.
Identifiers: ClinVar variation 513507 (VCV000513507.11), dbSNP rs369296142, ClinGen allele CA6778764.

ClinVar aggregate classification (germline): Likely benign. Review status: criteria provided, multiple submitters, no conflicts (2 of 4 stars). 2 submissions from 2 submitters: Likely benign (2). Last evaluated 2025-12-27.

Conditions:
Methylmalonic aciduria, cblB type (MACB). Also called: METHYLMALONIC ACIDURIA, VITAMIN B12-RESPONSIVE, DUE TO DEFECT IN SYNTHESIS OF ADENOSYLCOBALAMIN, cblB TYPE; Vitamin B12-responsive methylmalonic acidemia type cblB; Methylmalonic acidemia cblB type. Identifiers: Orphanet 28, Orphanet 79311, MedGen C1855102, MONDO:0009614, OMIM 251110.

Allele frequency attached by ClinVar (database versions not stated): ESP Exome Variant Server 0.00008; gnomAD exomes 0.00008 and 0.00019; ExAC 0.00010; gnomAD 0.00010 and 0.00011; TOPMed 0.00010.
gnomAD v4.1: 304 of 1,613,182 alleles (0.019%); highest among the groups gnomAD compares: Non-Finnish European, 0.023%; no homozygotes.

Submissions (2):

Labcorp Genetics (formerly Invitae), Labcorp
Classification: Likely benign for Methylmalonic aciduria, cblB type. Last evaluated: 2025-12-27. Review status: criteria provided, single submitter. Criteria: Invitae Variant Classification Sherloc (09022015). Collection method: clinical testing. Allele origin: germline.

GeneDx
Classification: Likely benign. Last evaluated: 2017-11-28. Review status: criteria provided, single submitter. Criteria: GeneDx Variant Classification (06012015). Collection method: clinical testing. Allele origin: germline. Affected: yes.
Comment: This variant is considered likely benign or benign based on one or more of the following criteria: it is a conservative change, it occurs at a poorly conserved position in the protein, it is predicted to be benign by multiple in silico algorithms, and/or has population frequency not consistent with disease.